The following is an entry in ClinVar:

ClinVar aggregate classification (germline): Uncertain significance (1 of 4 stars; one submission).

Conditions:
LAMA2-related muscular dystrophy (LAMA2-RD). Also called: Laminin alpha 2-related dystrophy. Identifiers: MedGen C5679788, MONDO:0100228.

Allele frequency attached by ClinVar (database versions not stated): TOPMed below 0.00001.
gnomAD v4.1: 2 of 1,614,060 alleles (0.00012%); highest among the groups gnomAD compares: Non-Finnish European, 0.00017%; no homozygotes.

Submission:

Labcorp Genetics (formerly Invitae), Labcorp
Classification: Uncertain significance for LAMA2-related muscular dystrophy. Last evaluated: 2021-08-24. Review status: criteria provided, single submitter. Criteria: Invitae Variant Classification Sherloc (09022015). Collection method: clinical testing. Allele origin: germline.
Comment: This sequence change replaces methionine with isoleucine at codon 65 of the LAMA2 protein (p.Met65Ile). The methionine residue is moderately conserved and there is a small physicochemical difference between methionine and isoleucine. This variant is not present in population databases (ExAC no frequency). This variant has not been reported in the literature in individuals affected with LAMA2-related conditions. Algorithms developed to predict the effect of missense changes on protein structure and function are either unavailable or do not agree on the potential impact of this missense change (SIFT: "Tolerated"; PolyPhen-2: "Probably Damaging"; Align-GVGD: "Class C0"). In summary, the available evidence is currently insufficient to determine the role of this variant in disease. Therefore, it has been classified as a Variant of Uncertain Significance.

NM_000426.4(LAMA2):c.195G>A (p.Met65Ile)

Gene: LAMA2 (laminin subunit alpha 2; plus strand). Cytogenetic location: 6q22.33.
Variant type: single nucleotide variant.
Coding change: c.195G>A on transcript NM_000426.4 (MANE Select); coding-DNA position 195, G replaced by A.
Protein change: p.Met65Ile; replaces methionine 65 with isoleucine.
Molecular consequence: missense variant.
Genome position (GRCh38, 1-based): chr6:129,050,000, G>A. VCF-style: chr6-129050000-G-A. GRCh37 (hg19) VCF-style: chr6-129371145-G-A.
Other names: c.195G>A, p.Met65Ile (NM_001079823.2); short protein forms M65I.
Identifiers: ClinVar variation 477446 (VCV000477446.6), dbSNP rs1554206054, ClinGen allele CA365828560.